The following is an entry in ClinVar:

NM_001111067.4(ACVR1):c.1469G>A (p.Arg490His)

Gene: ACVR1 (activin A receptor type 1; minus strand). Cytogenetic location: 2q24.1.
Variant type: single nucleotide variant.
Coding change: c.1469G>A on transcript NM_001111067.4 (MANE Select); coding-DNA position 1469, G replaced by A.
Protein change: p.Arg490His; replaces arginine 490 with histidine.
Molecular consequence: missense variant.
Genome position (GRCh38, 1-based): chr2:157,737,592, C>T on the plus strand (G>A on the coding strand, the complement: ACVR1 is on the minus strand). VCF-style: chr2-157737592-C-T. GRCh37 (hg19) VCF-style: chr2-158594104-C-T.
Other names: c.1469G>A, p.Arg490His (NM_001105.5, NM_001347663.1, NM_001347664.1 and 3 more transcripts); short protein forms R490H.
Identifiers: ClinVar variation 3677806 (VCV003677806.2).

ClinVar aggregate classification (germline): Uncertain significance (1 of 4 stars; one submission).

gnomAD v4.1: 7 of 1,614,018 alleles (0.00043%); highest among the groups gnomAD compares: Non-Finnish European, 0.00051%; no homozygotes.

Submission:

Labcorp Genetics (formerly Invitae), Labcorp
Classification: Uncertain significance. Last evaluated: 2024-06-12. Review status: criteria provided, single submitter. Criteria: Invitae Variant Classification Sherloc (09022015). Collection method: clinical testing. Allele origin: germline.
Comment: This sequence change replaces arginine, which is basic and polar, with histidine, which is basic and polar, at codon 490 of the ACVR1 protein (p.Arg490His). This variant is present in population databases (rs554387941, gnomAD 0.002%). This variant has not been reported in the literature in individuals affected with ACVR1-related conditions. An algorithm developed to predict the effect of missense changes on protein structure and function (PolyPhen-2) suggests that this variant is likely to be disruptive. In summary, the available evidence is currently insufficient to determine the role of this variant in disease. Therefore, it has been classified as a Variant of Uncertain Significance.